The following is an entry in ClinVar:

NM_170601.5(SIAE):c.427T>G (p.Leu143Val)

Gene: SIAE (sialic acid acetylesterase; minus strand). Cytogenetic location: 11q24.2.
Variant type: single nucleotide variant.
Coding change: c.427T>G on transcript NM_170601.5 (MANE Select); coding-DNA position 427, T replaced by G.
Protein change: p.Leu143Val; replaces leucine 143 with valine.
Molecular consequence: missense variant.
Genome position (GRCh38, 1-based): chr11:124,654,772, A>C on the plus strand (T>G on the coding strand, the complement: SIAE is on the minus strand). VCF-style: chr11-124654772-A-C. GRCh37 (hg19) VCF-style: chr11-124524668-A-C.
Other names: c.322T>G, p.Leu108Val (NM_001199922.2); short protein forms L108V, L143V.
Identifiers: ClinVar variation 4729761 (VCV004729761.1).

ClinVar aggregate classification (germline): Uncertain significance (1 of 4 stars; one submission).

Submission:

Labcorp Genetics (formerly Invitae), Labcorp
Classification: Uncertain significance. Last evaluated: 2025-10-27. Review status: criteria provided, single submitter. Criteria: Invitae Variant Classification Sherloc (09022015). Collection method: clinical testing. Allele origin: germline.
Comment: This sequence change replaces leucine, which is neutral and non-polar, with valine, which is neutral and non-polar, at codon 143 of the SIAE protein (p.Leu143Val). This variant is not present in population databases (gnomAD no frequency). This variant has not been reported in the literature in individuals affected with SIAE-related conditions. An algorithm developed to predict the effect of missense changes on protein structure and function (PolyPhen-2) suggests that this variant is likely to be tolerated. In summary, the available evidence is currently insufficient to determine the role of this variant in disease. Therefore, it has been classified as a Variant of Uncertain Significance.